The following is an entry in ClinVar:

ClinVar aggregate classification (germline): Uncertain significance. Review status: criteria provided, multiple submitters, no conflicts (2 of 4 stars). 2 submissions from 2 submitters: Uncertain significance (2). Last evaluated 2024-12-07.

Conditions:
Inborn genetic diseases. Identifiers: MedGen C0950123, MeSH D030342.
Amyotrophic lateral sclerosis type 1 (ALS1). Also called: AMYOTROPHIC LATERAL SCLEROSIS 1, FAMILIAL. Identifiers: Orphanet 803, MedGen C1862939, MONDO:0007103, OMIM 105400.
Neuronopathy, distal hereditary motor, type 7B. Also called: NEURONOPATHY, DISTAL HEREDITARY MOTOR, AUTOSOMAL DOMINANT 14; NEURONOPATHY, DISTAL HEREDITARY MOTOR, HARDING TYPE VIIB; NEUROPATHY, DISTAL HEREDITARY MOTOR, HARDING TYPE VIIB; NEUROPATHY, DISTAL HEREDITARY MOTOR, WITH VOCAL CORD PARALYSIS, HARDING TYPE VIIB; Distal Hereditary Motor Neuronopathy Type 7B (dHMN7B); HMN VIIB. Identifiers: Orphanet 139589, MedGen C1843315, MONDO:0011879, OMIM 607641.
Perry syndrome. Also called: PARKINSONISM WITH ALVEOLAR HYPOVENTILATION AND MENTAL DEPRESSION. Identifiers: Orphanet 178509, MedGen C1868594, MONDO:0008201, OMIM 168605.

Allele frequency attached by ClinVar (database versions not stated): ExAC 0.00001; gnomAD exomes 0.00001.
gnomAD v4.1: 3 of 1,614,126 alleles (0.00019%); highest among the groups gnomAD compares: Non-Finnish European, 0.00025%; no homozygotes.

Submissions (2):

Ambry Genetics
Classification: Uncertain significance for Inborn genetic diseases. Last evaluated: 2024-12-07. Review status: criteria provided, single submitter. Criteria: Ambry Variant Classification Scheme 2023. Collection method: clinical testing. Allele origin: germline.

Labcorp Genetics (formerly Invitae), Labcorp
Classification: Uncertain significance for Amyotrophic lateral sclerosis type 1; Neuronopathy, distal hereditary motor, type 7B; Perry syndrome. Last evaluated: 2023-12-02. Review status: criteria provided, single submitter. Criteria: Invitae Variant Classification Sherloc (09022015). Collection method: clinical testing. Allele origin: germline.
Comment: This sequence change replaces histidine, which is basic and polar, with arginine, which is basic and polar, at codon 729 of the DCTN1 protein (p.His729Arg). This variant is present in population databases (rs765145792, gnomAD 0.0009%). This variant has not been reported in the literature in individuals affected with DCTN1-related conditions. An algorithm developed to predict the effect of missense changes on protein structure and function (PolyPhen-2) suggests that this variant is likely to be tolerated. In summary, the available evidence is currently insufficient to determine the role of this variant in disease. Therefore, it has been classified as a Variant of Uncertain Significance.

NM_004082.5(DCTN1):c.2186A>G (p.His729Arg)

Gene: DCTN1 (dynactin subunit 1; minus strand). Cytogenetic location: 2p13.1.
Variant type: single nucleotide variant.
Coding change: c.2186A>G on transcript NM_004082.5 (MANE Select); coding-DNA position 2186, A replaced by G.
Protein change: p.His729Arg; replaces histidine 729 with arginine.
Molecular consequence: missense variant. On other transcripts: non-coding transcript variant (1).
Genome position (GRCh38, 1-based): chr2:74,367,419, T>C on the plus strand (A>G on the coding strand, the complement: DCTN1 is on the minus strand). VCF-style: chr2-74367419-T-C. GRCh37 (hg19) VCF-style: chr2-74594546-T-C.
Other names: c.2126A>G, p.His709Arg (NM_001135040.3); c.1784A>G, p.His595Arg (NM_001135041.3, NM_023019.4); c.2075A>G, p.His692Arg (NM_001190836.2); c.2165A>G, p.His722Arg (NM_001190837.2); c.2135A>G, p.His712Arg (NM_001378991.1); c.2117A>G, p.His706Arg (NM_001378992.1); short protein forms H729R, H595R, H692R, H706R, H709R, H712R, H722R.
Identifiers: ClinVar variation 2928326 (VCV002928326.4), dbSNP rs765145792, ClinGen allele CA1721922.